The following is an entry in ClinVar:

ClinVar aggregate classification (germline): Uncertain significance (1 of 4 stars; one submission).

Allele frequency attached by ClinVar (database versions not stated): gnomAD exomes below 0.00001; ExAC 0.00001; TOPMed 0.00001; gnomAD 0.00003.
gnomAD v4.1: 8 of 1,612,978 alleles (0.0005%); highest among the groups gnomAD compares: Admixed American, 0.0033%; no homozygotes.

Submission:

Labcorp Genetics (formerly Invitae), Labcorp
Classification: Uncertain significance. Last evaluated: 2022-06-01. Review status: criteria provided, single submitter. Criteria: Invitae Variant Classification Sherloc (09022015). Collection method: clinical testing. Allele origin: germline.
Comment: This sequence change replaces arginine, which is basic and polar, with serine, which is neutral and polar, at codon 234 of the PUS1 protein (p.Arg234Ser). This variant is present in population databases (rs780957532, gnomAD 0.003%). This variant has not been reported in the literature in individuals affected with PUS1-related conditions. Algorithms developed to predict the effect of missense changes on protein structure and function (SIFT, PolyPhen-2, Align-GVGD) all suggest that this variant is likely to be tolerated. In summary, the available evidence is currently insufficient to determine the role of this variant in disease. Therefore, it has been classified as a Variant of Uncertain Significance.

NM_025215.6(PUS1):c.702G>C (p.Arg234Ser)

Gene: PUS1 (pseudouridine synthase 1; plus strand). Cytogenetic location: 12q24.33.
Variant type: single nucleotide variant.
Coding change: c.702G>C on transcript NM_025215.6 (MANE Select); coding-DNA position 702, G replaced by C.
Protein change: p.Arg234Ser; replaces arginine 234 with serine.
Molecular consequence: missense variant.
Genome position (GRCh38, 1-based): chr12:131,941,449, G>C. VCF-style: chr12-131941449-G-C. GRCh37 (hg19) VCF-style: chr12-132425994-G-C.
Other names: c.618G>C, p.Arg206Ser (NM_001002019.3, NM_001002020.3); short protein forms R206S, R234S.
Identifiers: ClinVar variation 1918811 (VCV001918811.2), dbSNP rs780957532, ClinGen allele CA6884225.